The following is an entry in ClinVar:

NM_024642.5(GALNT12):c.9del (p.Arg4fs)

Gene: GALNT12 (polypeptide N-acetylgalactosaminyltransferase 12; plus strand). Cytogenetic location: 9q22.33.
Variant type: Deletion.
Coding change: c.9del on transcript NM_024642.5 (MANE Select); coding-DNA position 9, one base deleted (G; older notation c.9delG).
Protein change: p.Arg4fs; shifts the reading frame from arginine 4.
Molecular consequence: frameshift variant.
Genome position (GRCh38, 1-based): chr9:98,807,707, G deleted; the last of 5 consecutive G bases (chr9:98,807,703-98,807,707); deleting any one gives the same sequence. VCF-style (leftmost placement, unchanged base first): chr9-98807702-TG-T. GRCh37 (hg19) VCF-style: chr9-101569984-TG-T.
Other names: short protein forms R4fs.
Identifiers: ClinVar variation 4798864 (VCV004798864.1).

ClinVar aggregate classification (germline): Uncertain significance (1 of 4 stars; one submission).

Submission:

Labcorp Genetics (formerly Invitae), Labcorp
Classification: Uncertain significance. Last evaluated: 2025-12-30. Review status: criteria provided, single submitter. Criteria: Invitae Variant Classification Sherloc (09022015). Collection method: clinical testing. Allele origin: germline.
Comment: This sequence change creates a premature translational stop signal (p.Arg4Alafs*139) in the GALNT12 gene. It is expected to result in an absent or disrupted protein product. However, the current clinical and genetic evidence is not sufficient to establish whether loss-of-function variants in GALNT12 cause disease. This variant is present in population databases (no rsID available, gnomAD 0.01%). This variant has not been reported in the literature in individuals affected with GALNT12-related conditions. In summary, the available evidence is currently insufficient to determine the role of this variant in disease. Therefore, it has been classified as a Variant of Uncertain Significance.